The following is an entry in ClinVar:

ClinVar aggregate classification (germline): Uncertain significance (1 of 4 stars; one submission).

gnomAD v4.1: 1 of 1,580,782 alleles (0.000063%); no homozygotes.

Submission:

GeneDx
Classification: Uncertain significance. Last evaluated: 2024-11-05. Review status: criteria provided, single submitter. Criteria: GeneDx Variant Classification Process June 2021. Collection method: clinical testing. Allele origin: germline. Affected: yes.
Comment: Not observed at significant frequency in large population cohorts (gnomAD); Alters the last nucleotide of the exon and is predicted to destroy the splice donor site and result in aberrant splicing, although in the absence of functional evidence the actual effect of this sequence change is unknown; Has not been previously published as pathogenic or benign to our knowledge

NM_002941.4(ROBO1):c.2812G>A (p.Val938Ile)

Gene: ROBO1 (roundabout guidance receptor 1; minus strand). Cytogenetic location: 3p12.3.
Variant type: single nucleotide variant.
Coding change: c.2812G>A on transcript NM_002941.4 (MANE Select); coding-DNA position 2812, G replaced by A.
Protein change: p.Val938Ile; replaces valine 938 with isoleucine.
Molecular consequence: missense variant.
Genome position (GRCh38, 1-based): chr3:78,651,732, C>T on the plus strand (G>A on the coding strand, the complement: ROBO1 is on the minus strand). VCF-style: chr3-78651732-C-T. GRCh37 (hg19) VCF-style: chr3-78700882-C-T.
Other names: c.2704G>A, p.Val902Ile (NM_001145845.2, NM_133631.4); short protein forms V902I, V938I.
Identifiers: ClinVar variation 3897145 (VCV003897145.1).
Genomic context (GRCh38, chr3:78,651,732, plus strand): 5'-AATATTAAAATCAAGAGTTTTATAAACATTAAAATATGAAAACCTTGGGAAAGCTAATAC[C>T]TTTTCTGATACCCGCGTAGGTACTAGTAAGTCCGTTTCTCTTCTTGCGGTGTCGATAAAG-3'
Protein context (NP_002932.1, residues 928-948): LTSTYAGIRK[Val938Ile]PSFTFTPTVT